The following is an entry in ClinVar:

ClinVar aggregate classification (germline): Pathogenic (1 of 4 stars; one submission).

Conditions:
Rare genetic deafness. Identifiers: Orphanet 96210, MedGen C5680250.

Submission:

Laboratory for Molecular Medicine, Mass General Brigham Personalized Medicine
Classification: Pathogenic for Rare genetic deafness. Last evaluated: 2015-11-19. Review status: criteria provided, single submitter. Criteria: LMM Criteria. Collection method: clinical testing. Allele origin: germline. Inheritance: Autosomal recessive inheritance. Observed: 1 variant allele.
Comment: The p.Tyr362X variant in STRC has not been previously reported in individuals wi th hearing loss. Data from large population studies is insufficient to assess th e frequency of this variant. This nonsense variant leads to a premature terminat ion codon at position 362, which is predicted to lead to a truncated or absent p rotein. In summary, this variant meets our criteria to be classified as pathoge nic for autosomal recessive hearing loss based on the predicted impact of the va riant.

NM_153700.2(STRC):c.1086C>A (p.Tyr362Ter)

Gene: STRC (stereocilin; minus strand). Cytogenetic location: 15q15.3.
Variant type: single nucleotide variant.
Coding change: c.1086C>A on transcript NM_153700.2 (MANE Select); coding-DNA position 1086, C replaced by A.
Protein change: p.Tyr362Ter; replaces tyrosine 362 with a stop codon.
Molecular consequence: nonsense.
Genome position (GRCh38, 1-based): chr15:43,616,480, G>T on the plus strand (C>A on the coding strand, the complement: STRC is on the minus strand). VCF-style: chr15-43616480-G-T. GRCh37 (hg19) VCF-style: chr15-43908678-G-T.
Other names: short protein forms Y362*.
Identifiers: ClinVar variation 228401 (VCV000228401.5), dbSNP rs876657724, ClinGen allele CA10576984.
Genomic context (GRCh38, chr15:43,616,480, plus strand): 5'-CTGTGGAGTGGCAGGCTTGGTGTGCTGGCAGAGCAAGTGGATGGAGAAGTTGGAAATGCT[G>T]TAGGGTGGTGCTGGGCCTAAGTGGTTCTCACAGAGGGCCTCCACAGTGATGGCTCGCCGT-3'